The following is an entry in ClinVar:

NM_000038.6(APC):c.4579C>G (p.Pro1527Ala)

Gene: APC (APC regulator of Wnt signaling pathway; plus strand). Cytogenetic location: 5q22.2.
Variant type: single nucleotide variant.
Coding change: c.4579C>G on transcript NM_000038.6 (MANE Select); coding-DNA position 4579, C replaced by G.
Protein change: p.Pro1527Ala; replaces proline 1527 with alanine.
Molecular consequence: missense variant. On other transcripts: non-coding transcript variant (2).
Genome position (GRCh38, 1-based): chr5:112,840,173, C>G. VCF-style: chr5-112840173-C-G. GRCh37 (hg19) VCF-style: chr5-112175870-C-G.
Other names: c.4579C>G, p.Pro1527Ala (NM_001407450.1, NM_001127510.3, NM_001354895.2); c.4558C>G, p.Pro1520Ala (NM_001407451.1); c.4549C>G, p.Pro1517Ala (NM_001407452.1); c.4402C>G, p.Pro1468Ala (NM_001407453.1, NM_001354901.2); c.4330C>G, p.Pro1444Ala (NM_001407454.1, NM_001407455.1, NM_001407456.1 and 1 more transcripts); c.4276C>G, p.Pro1426Ala (NM_001407458.1, NM_001407459.1, NM_001407460.1 and 1 more transcripts); c.4192C>G, p.Pro1398Ala (NM_001407467.1, NM_001407469.1); c.3730C>G, p.Pro1244Ala (NM_001407470.1, NM_001354906.2); and 11 more; short protein forms P1143A, P1401A, P1486A, P1527A, P1545A, P1244A, P1426A, P1509A.
Identifiers: ClinVar variation 4579784 (VCV004579784.1).

ClinVar aggregate classification (germline): Uncertain significance (1 of 4 stars; one submission).

Conditions:
Hereditary cancer-predisposing syndrome. Also called: Neoplastic Syndromes, Hereditary; Tumor predisposition; Hereditary Cancer Syndrome; Hereditary neoplastic syndrome. Identifiers: Orphanet 140162, MedGen C0027672, MeSH D009386, MONDO:0015356.

Submission:

Ambry Genetics
Classification: Uncertain significance for Hereditary cancer-predisposing syndrome. Last evaluated: 2025-09-29. Review status: criteria provided, single submitter. Criteria: Ambry Variant Classification Scheme 2023. Collection method: clinical testing. Allele origin: germline.
Comment: The p.P1527A variant (also known as c.4579C>G), located in coding exon 15 of the APC gene, results from a C to G substitution at nucleotide position 4579. The proline at codon 1527 is replaced by alanine, an amino acid with highly similar properties. This amino acid position is conserved. In addition, in silico predictors for this gene do not accurately predict pathogenicity. Based on the available evidence, the clinical significance of this variant remains unclear.